The following is an entry in ClinVar:

ClinVar aggregate classification (germline): Conflicting classifications of pathogenicity. Review status: criteria provided, conflicting classifications (1 of 4 stars). 2 submissions from 2 submitters: Likely pathogenic (1); Uncertain significance (1). Last evaluated 2026-01-24.

Conditions:
Hepatoencephalopathy due to combined oxidative phosphorylation defect type 1. Also called: HEPATOENCEPHALOPATHY, EARLY FATAL PROGRESSIVE. Identifiers: Orphanet 137681, MedGen C1836797, MONDO:0012191, OMIM 609060.

Allele frequency attached by ClinVar (database versions not stated): gnomAD exomes 0.00001; TOPMed below 0.00001; ExAC 0.00001.
gnomAD v4.1: 14 of 1,613,862 alleles (0.00087%); highest among the groups gnomAD compares: South Asian, 0.014%; no homozygotes.

Submissions (2):

3billion
Classification: Uncertain significance for Hepatoencephalopathy due to combined oxidative phosphorylation defect type 1. Last evaluated: 2026-01-24. Review status: criteria provided, single submitter. Criteria: ACMG Guidelines, 2015. Collection method: clinical testing. Allele origin: germline. Affected: yes.
Comment: The variant is observed at an extremely low frequency in the gnomAD v4.1.0 dataset (total allele frequency: <0.001%). Predicted Consequence/Location: Missense variant Damaging effect on gene or gene product predicted by in silico programs is uncertain [REVEL: 0.56 (damaging >=0.6, benign <0.4), 3Cnet: 0.73 (damaging >0.75, benign <0.1)]. The same nucleotide change resulting in the same amino acid change has been previously reported to be associated with GFM1-related disorder (ClinVar ID: VCV001802981). However, the evidence of pathogenicity is insufficient at this time. Therefore, this variant is classified as VUS according to the recommendation of ACMG/AMP guideline.

Pediatric Department, Xiangya Hospital, Central South University
Classification: Likely pathogenic for Hepatoencephalopathy due to combined oxidative phosphorylation defect type 1. Review status: criteria provided, single submitter. Criteria: ACMG Guidelines, 2015. Collection method: clinical testing. Allele origin: paternal. Inheritance: Autosomal recessive inheritance. Affected: yes. Observed: 2 compound heterozygotes. Clinical features observed: Muscle Weakness, symmetric lesions of the basal ganglia, Dystonia.

NM_024996.7(GFM1):c.2167T>C (p.Cys723Arg)

Gene: GFM1 (G elongation factor mitochondrial 1; plus strand). Cytogenetic location: 3q25.32.
Variant type: single nucleotide variant.
Coding change: c.2167T>C on transcript NM_024996.7 (MANE Select); coding-DNA position 2167, T replaced by C.
Protein change: p.Cys723Arg; replaces cysteine 723 with arginine.
Molecular consequence: missense variant. On other transcripts: non-coding transcript variant (4).
Genome position (GRCh38, 1-based): chr3:158,691,378, T>C. VCF-style: chr3-158691378-T-C. GRCh37 (hg19) VCF-style: chr3-158409167-T-C.
Other names: c.2224T>C, p.Cys742Arg (NM_001308164.2); c.2086T>C, p.Cys696Arg (NM_001374355.1); c.2050T>C, p.Cys684Arg (NM_001374356.1); c.1942T>C, p.Cys648Arg (NM_001374357.1); c.1708T>C, p.Cys570Arg (NM_001374358.1); c.1600T>C, p.Cys534Arg (NM_001374359.1); c.1546T>C, p.Cys516Arg (NM_001374360.1); c.1483T>C, p.Cys495Arg (NM_001374361.1); short protein forms C495R, C516R, C534R, C570R, C648R, C684R, C696R, C723R.
Identifiers: ClinVar variation 1802981 (VCV001802981.2), dbSNP rs750287727, ClinGen allele CA2683123.